The following is an entry in ClinVar:

ClinVar aggregate classification (germline): Pathogenic (1 of 4 stars; one submission).

Conditions:
Dyskeratosis congenita. Identifiers: Orphanet 1775, MedGen C0265965, MONDO:0015780.

Submission:

Labcorp Genetics (formerly Invitae), Labcorp
Classification: Pathogenic for Dyskeratosis congenita. Last evaluated: 2022-10-18. Review status: criteria provided, single submitter. Criteria: Invitae Variant Classification Sherloc (09022015). Collection method: clinical testing. Allele origin: germline.
Comment: For these reasons, this variant has been classified as Pathogenic. Algorithms developed to predict the effect of sequence changes on RNA splicing suggest that this variant may disrupt the consensus splice site. ClinVar contains an entry for this variant (Variation ID: 576727). This variant has not been reported in the literature in individuals affected with CTC1-related conditions. This variant is not present in population databases (gnomAD no frequency). This sequence change creates a premature translational stop signal (p.Gln1017*) in the CTC1 gene. It is expected to result in an absent or disrupted protein product. Loss-of-function variants in CTC1 are known to be pathogenic (PMID: 22267198, 22387016).

Literature cited by the submitters: PubMed 22267198; PubMed 22387016.

NM_025099.6(CTC1):c.3049C>T (p.Gln1017Ter)

Gene: CTC1 (CST telomere replication complex component 1; minus strand). Cytogenetic location: 17p13.1.
Variant type: single nucleotide variant.
Coding change: c.3049C>T on transcript NM_025099.6 (MANE Select); coding-DNA position 3049, C replaced by T.
Protein change: p.Gln1017Ter; replaces glutamine 1017 with a stop codon.
Molecular consequence: nonsense. On other transcripts: non-coding transcript variant (1).
Genome position (GRCh38, 1-based): chr17:8,229,409, G>A on the plus strand (C>T on the coding strand, the complement: CTC1 is on the minus strand). VCF-style: chr17-8229409-G-A. GRCh37 (hg19) VCF-style: chr17-8132727-G-A.
Other names: short protein forms Q1017*.
Identifiers: ClinVar variation 576727 (VCV000576727.8), dbSNP rs1567599296, ClinGen allele CA397972329.
Genomic context (GRCh38, chr17:8,229,409, plus strand): 5'-GGCTGAAGACAGAGACGATATGGCAAGAGGCAGTGGCCTGGAATGGGGACTGACCACCCT[G>A]CAGAAGTTCAGCCAGGTAGATGTGGGGCAGGGGAATGCTAAATAAATACAGGGAGACAGA-3'